The following is an entry in ClinVar:

NM_012330.4(KAT6B):c.840A>G (p.Arg280=)

Gene: KAT6B (lysine acetyltransferase 6B; plus strand). Cytogenetic location: 10q22.2.
Variant type: single nucleotide variant.
Coding change: c.840A>G on transcript NM_012330.4 (MANE Select); coding-DNA position 840, A replaced by G.
Protein change: p.Arg280=; no amino-acid change (arginine 280 retained).
Molecular consequence: synonymous variant. On other transcripts: intron variant (2).
Genome position (GRCh38, 1-based): chr10:74,969,769, A>G. VCF-style: chr10-74969769-A-G. GRCh37 (hg19) VCF-style: chr10-76729527-A-G.
Other names: c.840A>G, p.Arg280= (NM_001256468.2, NM_001256469.2, NM_001370132.1 and 10 more transcripts); c.193-9455A>G (NM_001370134.1); c.192+9691A>G (NM_001370135.1).
Identifiers: ClinVar variation 507503 (VCV000507503.1), dbSNP rs1554834891, ClinGen allele CA470172741.
Genomic context (GRCh38, chr10:74,969,769, plus strand): 5'-GGCCTTAAGGTGGCAGTGCATCGAATGCAAGACATGCAGTGCCTGTAGAGTCCAAGGCAG[A>G]AATGCTGTAAGTATGGCTCCCGTAATCCGCCTCCAGGTAACTCGCTAATTTCCAGTGTTA-3'
Protein context (NP_036462.2, residues 270-290): KTCSACRVQG[Arg280=]NADNMLFCDS

ClinVar aggregate classification (germline): Likely benign (1 of 4 stars; one submission).

Submission:

GeneDx
Classification: Likely benign. Last evaluated: 2017-02-16. Review status: criteria provided, single submitter. Criteria: GeneDx Variant Classification (06012015). Collection method: clinical testing. Allele origin: germline. Affected: yes.
Comment: This variant is considered likely benign or benign based on one or more of the following criteria: it is a conservative change, it occurs at a poorly conserved position in the protein, it is predicted to be benign by multiple in silico algorithms, and/or has population frequency not consistent with disease.